The following is an entry in ClinVar:

ClinVar aggregate classification (germline): Uncertain significance. Review status: criteria provided, multiple submitters, no conflicts (2 of 4 stars). 2 submissions from 2 submitters: Uncertain significance (2). Last evaluated 2024-12-07.

Conditions:
Inborn genetic diseases. Identifiers: MedGen C0950123, MeSH D030342.

Allele frequency attached by ClinVar (database versions not stated): TOPMed 0.00006; gnomAD 0.00007.

Submissions (2):

Ambry Genetics
Classification: Uncertain significance for Inborn genetic diseases. Last evaluated: 2024-12-07. Review status: criteria provided, single submitter. Criteria: Ambry Variant Classification Scheme 2023. Collection method: clinical testing. Allele origin: germline.

Labcorp Genetics (formerly Invitae), Labcorp
Classification: Uncertain significance. Last evaluated: 2024-11-05. Review status: criteria provided, single submitter. Criteria: Invitae Variant Classification Sherloc (09022015). Collection method: clinical testing. Allele origin: germline.
Comment: This sequence change replaces leucine, which is neutral and non-polar, with valine, which is neutral and non-polar, at codon 1025 of the SIN3A protein (p.Leu1025Val). This variant is present in population databases (no rsID available, gnomAD 0.05%). This variant has not been reported in the literature in individuals affected with SIN3A-related conditions. ClinVar contains an entry for this variant (Variation ID: 2974105). Invitae Evidence Modeling of protein sequence and biophysical properties (such as structural, functional, and spatial information, amino acid conservation, physicochemical variation, residue mobility, and thermodynamic stability) indicates that this missense variant is not expected to disrupt SIN3A protein function with a negative predictive value of 80%. In summary, the available evidence is currently insufficient to determine the role of this variant in disease. Therefore, it has been classified as a Variant of Uncertain Significance.

NM_001145358.2(SIN3A):c.3073C>G (p.Leu1025Val)

Gene: SIN3A (SIN3 transcription regulator family member A; minus strand). Cytogenetic location: 15q24.2.
Variant type: single nucleotide variant.
Coding change: c.3073C>G on transcript NM_001145358.2 (MANE Select); coding-DNA position 3073, C replaced by G.
Protein change: p.Leu1025Val; replaces leucine 1025 with valine.
Molecular consequence: missense variant.
Genome position (GRCh38, 1-based): chr15:75,384,386, G>C on the plus strand (C>G on the coding strand, the complement: SIN3A is on the minus strand). VCF-style: chr15-75384386-G-C. GRCh37 (hg19) VCF-style: chr15-75676727-G-C.
Other names: c.3073C>G (NM_001145358.1); c.3073C>G, p.Leu1025Val (NM_001145357.2, NM_015477.3); short protein forms L1025V.
Identifiers: ClinVar variation 2974105 (VCV002974105.4), dbSNP rs1012700186, ClinGen allele CA272901897.